The following is an entry in ClinVar:

NM_025009.5(CEP135):c.341C>T (p.Thr114Ile)

Gene: CEP135 (centrosomal protein 135; plus strand). Cytogenetic location: 4q12.
Variant type: single nucleotide variant.
Coding change: c.341C>T on transcript NM_025009.5 (MANE Select); coding-DNA position 341, C replaced by T.
Protein change: p.Thr114Ile; replaces threonine 114 with isoleucine.
Molecular consequence: missense variant.
Genome position (GRCh38, 1-based): chr4:55,954,252, C>T. VCF-style: chr4-55954252-C-T. GRCh37 (hg19) VCF-style: chr4-56820418-C-T.
Other names: short protein forms T114I.
Identifiers: ClinVar variation 3030306 (VCV003030306.2), dbSNP rs200758536, ClinGen allele CA2927523.

ClinVar aggregate classification (germline): Uncertain significance (0 of 4 stars; one submission).

Conditions:
CEP135-related disorder. Also called: CEP135-related condition.

Allele frequency attached by ClinVar (database versions not stated): ExAC 0.00002; gnomAD exomes 0.00004; TOPMed 0.00004; gnomAD 0.00005; ESP Exome Variant Server 0.00023.
gnomAD v4.1: 63 of 1,603,574 alleles (0.0039%); highest among the groups gnomAD compares: Non-Finnish European, 0.0053%; no homozygotes.

Submission:

PreventionGenetics, part of Exact Sciences
Classification: Uncertain significance for CEP135-related condition. Last evaluated: 2023-11-21. Review status: no assertion criteria provided. Collection method: clinical testing. Allele origin: germline.
Comment: The CEP135 c.341C>T variant is predicted to result in the amino acid substitution p.Thr114Ile. To our knowledge, this variant has not been reported in the literature. This variant is reported in 0.0087% of alleles in individuals of European (Non-Finnish) descent in gnomAD. At this time, the clinical significance of this variant is uncertain due to the absence of conclusive functional and genetic evidence.